The following is an entry in ClinVar:

ClinVar aggregate classification (germline): Uncertain significance. Review status: criteria provided, multiple submitters, no conflicts (2 of 4 stars). 3 submissions from 3 submitters: Uncertain significance (3). Last evaluated 2026-07-07.

Conditions:
Polyps, multiple and recurrent inflammatory fibroid, gastrointestinal. Identifiers: MedGen C5193005, MONDO:0008285, OMIM 175510.
Gastrointestinal stromal tumor. Also called: Gastrointestinal stromal tumor, somatic; Gastrointestinal stroma tumor. Identifiers: Orphanet 44890, MedGen C0238198, MeSH D046152, MONDO:0011719, OMIM 606764, HP:0100723.
Hereditary cancer-predisposing syndrome. Also called: Tumor predisposition; Hereditary Cancer Syndrome; Hereditary neoplastic syndrome; Neoplastic Syndromes, Hereditary. Identifiers: Orphanet 140162, MedGen C0027672, MeSH D009386, MONDO:0015356.

Allele frequency attached by ClinVar (database versions not stated): gnomAD exomes 0.00001; gnomAD 0.00001; TOPMed 0.00001.
gnomAD v4.1: 9 of 1,613,960 alleles (0.00056%); highest among the groups gnomAD compares: African/African-American, 0.0027%; no homozygotes.

Submissions (3):

Ambry Genetics
Classification: Uncertain significance for Hereditary cancer-predisposing syndrome. Last evaluated: 2026-07-07. Review status: criteria provided, single submitter. Criteria: Ambry Variant Classification Scheme 2023. Collection method: clinical testing. Allele origin: germline.
Comment: The p.P1027S variant (also known as c.3079C>T), located in coding exon 21 of the PDGFRA gene, results from a C to T substitution at nucleotide position 3079. The proline at codon 1027 is replaced by serine, an amino acid with similar properties. This amino acid position is conserved. In addition, the in silico prediction for this alteration is inconclusive. Based on the available evidence, the clinical significance of this variant remains unclear.

Labcorp Genetics (formerly Invitae), Labcorp
Classification: Uncertain significance for Gastrointestinal stromal tumor. Last evaluated: 2025-10-27. Review status: criteria provided, single submitter. Criteria: Invitae Variant Classification Sherloc (09022015). Collection method: clinical testing. Allele origin: germline.
Comment: This sequence change replaces proline, which is neutral and non-polar, with serine, which is neutral and polar, at codon 1027 of the PDGFRA protein (p.Pro1027Ser). This variant is not present in population databases (gnomAD no frequency). This variant has not been reported in the literature in individuals affected with PDGFRA-related conditions. ClinVar contains an entry for this variant (Variation ID: 1036572). Invitae Evidence Modeling of protein sequence and biophysical properties (such as structural, functional, and spatial information, amino acid conservation, physicochemical variation, residue mobility, and thermodynamic stability) indicates that this missense variant is not expected to disrupt PDGFRA protein function with a negative predictive value of 80%. In summary, the available evidence is currently insufficient to determine the role of this variant in disease. Therefore, it has been classified as a Variant of Uncertain Significance.

Baylor Genetics
Classification: Uncertain significance for Polyps, multiple and recurrent inflammatory fibroid, gastrointestinal. Last evaluated: 2024-03-26. Review status: criteria provided, single submitter. Criteria: ACMG Guidelines, 2015. Collection method: clinical testing. Allele origin: unknown.

NM_006206.6(PDGFRA):c.3079C>T (p.Pro1027Ser)

Gene: PDGFRA (platelet derived growth factor receptor alpha; plus strand). Cytogenetic location: 4q12.
Variant type: single nucleotide variant.
Coding change: c.3079C>T on transcript NM_006206.6 (MANE Select); coding-DNA position 3079, C replaced by T.
Protein change: p.Pro1027Ser; replaces proline 1027 with serine.
Molecular consequence: missense variant.
Genome position (GRCh38, 1-based): chr4:54,290,511, C>T. VCF-style: chr4-54290511-C-T. GRCh37 (hg19) VCF-style: chr4-55156678-C-T.
Other names: c.3079C>T (NM_006206.4); c.3154C>T, p.Pro1052Ser (NM_001347828.2); c.3079C>T, p.Pro1027Ser (NM_001347829.2); c.3118C>T, p.Pro1040Ser (NM_001347830.2); short protein forms P1027S, P1040S, P1052S.
Identifiers: ClinVar variation 1036572 (VCV001036572.10), dbSNP rs1383509559, ClinGen allele CA356896335.
Genomic context (GRCh38, chr4:54,290,511, plus strand): 5'-CTGGATGAGCAGAGACTGAGCGCTGACAGTGGCTACATCATTCCTCTGCCTGACATTGAC[C>T]CTGTCCCTGAGGAGGAGGACCTGGGCAAGAGGAACAGACACAGGTAGCTGTGGGGGCAGC-3'
Protein context (NP_006197.1, residues 1017-1037): GYIIPLPDID[Pro1027Ser]VPEEEDLGKR